The following is an entry in ClinVar:

ClinVar aggregate classification (germline): Uncertain significance. Review status: criteria provided, multiple submitters, no conflicts (2 of 4 stars). 5 submissions from 5 submitters: Uncertain significance (5). Last evaluated 2025-09-28.

Conditions:
Aortic aneurysm, familial thoracic 8 (AAT8). Identifiers: MedGen C3809513, MONDO:0014187, OMIM 615436.
Familial thoracic aortic aneurysm and aortic dissection (TAAD). Also called: Thoracic aortic aneurysms and dissections. Identifiers: Orphanet 91387, MedGen C4707243, MONDO:0019625.

Allele frequency attached by ClinVar (database versions not stated): gnomAD exomes below 0.00001 and 0.00001; gnomAD 0.00001; TOPMed 0.00002.
gnomAD v4.1: 17 of 1,580,726 alleles (0.0011%); highest among the groups gnomAD compares: Non-Finnish European, 0.0014%; no homozygotes.

Submissions (5):

Mayo Clinic Laboratories, Mayo Clinic
Classification: Uncertain significance. Last evaluated: 2025-09-28. Review status: criteria provided, single submitter. Criteria: ACMG Guidelines, 2015. Collection method: clinical testing. Allele origin: germline. Observed: 1 variant allele.
Comment: PM2_supporting

Labcorp Genetics (formerly Invitae), Labcorp
Classification: Uncertain significance for Aortic aneurysm, familial thoracic 8. Last evaluated: 2025-08-31. Review status: criteria provided, single submitter. Criteria: Invitae Variant Classification Sherloc (09022015). Collection method: clinical testing. Allele origin: germline.
Comment: This sequence change falls in intron 7 of the PRKG1 gene. It does not directly change the encoded amino acid sequence of the PRKG1 protein. It affects a nucleotide within the consensus splice site. This variant is present in population databases (rs80293383, gnomAD 0.002%). This variant has not been reported in the literature in individuals affected with PRKG1-related conditions. ClinVar contains an entry for this variant (Variation ID: 806473). Variants that disrupt the consensus splice site are a relatively common cause of aberrant splicing (PMID: 17576681, 9536098). Algorithms developed to predict the effect of sequence changes on RNA splicing suggest that this variant is not likely to affect RNA splicing. In summary, the available evidence is currently insufficient to determine the role of this variant in disease. Therefore, it has been classified as a Variant of Uncertain Significance.

Ambry Genetics
Classification: Uncertain significance for Familial thoracic aortic aneurysm and aortic dissection. Last evaluated: 2024-08-28. Review status: criteria provided, single submitter. Criteria: Ambry Variant Classification Scheme 2023. Collection method: clinical testing. Allele origin: germline.
Comment: The c.935+5G>A intronic variant results from a G to A substitution 5 nucleotides after coding exon 7 in the PRKG1 gene. This nucleotide position is highly conserved in available vertebrate species. In silico splice site analysis predicts that this alteration will not have any significant effect on splicing. Based on the available evidence, the clinical significance of this variant remains unclear.

GeneDx
Classification: Uncertain significance. Last evaluated: 2024-06-03. Review status: criteria provided, single submitter. Criteria: GeneDx Variant Classification Process June 2021. Collection method: clinical testing. Allele origin: germline. Affected: yes.
Comment: Not observed at significant frequency in large population cohorts (gnomAD); In silico analysis indicates that this variant does not alter splicing; Has not been previously published as pathogenic or benign to our knowledge

CeGaT Center for Human Genetics Tuebingen
Classification: Uncertain significance. Last evaluated: 2016-09-01. Review status: criteria provided, single submitter. Criteria: CeGaT Center For Human Genetics Tuebingen Variant Classification Criteria Version 2. Collection method: clinical testing. Allele origin: germline. Affected: yes. Observed: 1 variant allele.

Literature cited by the submitters: PubMed 17576681 (cited by Labcorp Genetics (formerly Invitae), Labcorp); PubMed 9536098 (cited by Labcorp Genetics (formerly Invitae), Labcorp).

NM_006258.4(PRKG1):c.935+5G>A

Gene: PRKG1 (protein kinase cGMP-dependent 1; plus strand). Cytogenetic location: 10q21.1.
Variant type: single nucleotide variant.
Coding change: c.935+5G>A on transcript NM_006258.4 (MANE Select); 5 bases into the intron after coding-DNA position 935, G replaced by A.
Molecular consequence: intron variant. On other transcripts: 3 prime UTR variant (1).
Genome position (GRCh38, 1-based): chr10:52,062,636, G>A. VCF-style: chr10-52062636-G-A. GRCh37 (hg19) VCF-style: chr10-53822396-G-A.
Other names: c.935+5G>A (NM_006258.3); c.*1G>A (NM_001374782.1); c.890+5G>A (NM_001098512.3); c.-275+5G>A (NM_001374781.1).
Identifiers: ClinVar variation 806473 (VCV000806473.49), dbSNP rs80293383, ClinGen allele CA207376752.